The following is an entry in ClinVar:

NM_001378454.1(ALMS1):c.12238T>C (p.Phe4080Leu)

Genes: ALMS1 (ALMS1 centrosome and basal body associated protein; plus strand), LOC126806252 (BRD4-independent group 4 enhancer GRCh37_chr2:73828496-73829695; plus strand). Cytogenetic location: 2p13.1.
Variant type: single nucleotide variant.
Coding change: c.12238T>C on transcript NM_001378454.1 (MANE Select); coding-DNA position 12238, T replaced by C.
Protein change: p.Phe4080Leu; replaces phenylalanine 4080 with leucine.
Molecular consequence: missense variant.
Genome position (GRCh38, 1-based): chr2:73,602,308, T>C. VCF-style: chr2-73602308-T-C. GRCh37 (hg19) VCF-style: chr2-73829435-T-C.
Other names: c.12241T>C, p.Phe4081Leu (NM_015120.4); short protein forms F4080L, F4081L.
Identifiers: ClinVar variation 1414669 (VCV001414669.4), dbSNP rs2104200019, ClinGen allele CA347268341.

ClinVar aggregate classification (germline): Uncertain significance. Review status: criteria provided, multiple submitters, no conflicts (2 of 4 stars). 2 submissions from 2 submitters: Uncertain significance (2). Last evaluated 2024-02-29.

Conditions:
Alstrom syndrome (ALMS). Identifiers: Orphanet 64, MedGen C0268425, MONDO:0008763, OMIM 203800.

Allele frequency attached by ClinVar (database versions not stated): gnomAD exomes below 0.00001.
gnomAD v4.1: 1 of 1,614,210 alleles (0.000062%); highest among the groups gnomAD compares: Non-Finnish European, 0.000085%; no homozygotes.

Submissions (2):

GeneDx
Classification: Uncertain significance. Last evaluated: 2024-02-29. Review status: criteria provided, single submitter. Criteria: GeneDx Variant Classification Process June 2021. Collection method: clinical testing. Allele origin: germline. Affected: yes.
Comment: Not observed at significant frequency in large population cohorts (gnomAD); In silico analysis supports that this missense variant has a deleterious effect on protein structure/function; Has not been previously published as pathogenic or benign to our knowledge

Labcorp Genetics (formerly Invitae), Labcorp
Classification: Uncertain significance for Alstrom syndrome. Last evaluated: 2021-12-08. Review status: criteria provided, single submitter. Criteria: Invitae Variant Classification Sherloc (09022015). Collection method: clinical testing. Allele origin: germline.
Comment: This sequence change replaces phenylalanine, which is neutral and non-polar, with leucine, which is neutral and non-polar, at codon 4081 of the ALMS1 protein (p.Phe4081Leu). This variant is not present in population databases (gnomAD no frequency). This variant has not been reported in the literature in individuals affected with ALMS1-related conditions. Experimental studies and prediction algorithms are not available or were not evaluated, and the functional significance of this variant is currently unknown. In summary, the available evidence is currently insufficient to determine the role of this variant in disease. Therefore, it has been classified as a Variant of Uncertain Significance.